The following is an entry in ClinVar:

NM_000301.5(PLG):c.1848G>C (p.Trp616Cys)

Genes: PLG (plasminogen; plus strand), LOC126859861 (CDK7 strongly-dependent group 2 enhancer GRCh37_chr6:161158745-161159944; plus strand). Cytogenetic location: 6q26.
Variant type: single nucleotide variant.
Coding change: c.1848G>C on transcript NM_000301.5 (MANE Select); coding-DNA position 1848, G replaced by C.
Protein change: p.Trp616Cys; replaces tryptophan 616 with cysteine.
Molecular consequence: missense variant.
Genome position (GRCh38, 1-based): chr6:160,738,583, G>C. VCF-style: chr6-160738583-G-C. GRCh37 (hg19) VCF-style: chr6-161159615-G-C.
Other names: short protein forms W616C.
Identifiers: ClinVar variation 2734967 (VCV002734967.3), dbSNP rs121918031, ClinGen allele CA4087901.
Genomic context (GRCh38, chr6:160,738,583, plus strand): 5'-AAATCCTCTTTCCAGGTTTGGAATGCACTTCTGTGGAGGCACCTTGATATCCCCAGAGTG[G>C]GTGTTGACTGCTGCCCACTGCTTGGAGAAGTATGTTTAGGGGACAATTGACATGAAGTCT-3'
Protein context (NP_000292.1, residues 606-626): FCGGTLISPE[Trp616Cys]VLTAAHCLEK

ClinVar aggregate classification (germline): Uncertain significance (1 of 4 stars; one submission).

Allele frequency attached by ClinVar (database versions not stated): gnomAD exomes below 0.00001; ExAC 0.00001.
gnomAD v4.1: 2 of 1,611,164 alleles (0.00012%); highest among the groups gnomAD compares: Non-Finnish European, 0.00017%; no homozygotes.

Submission:

Labcorp Genetics (formerly Invitae), Labcorp
Classification: Uncertain significance. Last evaluated: 2023-08-10. Review status: criteria provided, single submitter. Criteria: Invitae Variant Classification Sherloc (09022015). Collection method: clinical testing. Allele origin: germline.
Comment: Algorithms developed to predict the effect of sequence changes on RNA splicing suggest that this variant may create or strengthen a splice site. In summary, the available evidence is currently insufficient to determine the role of this variant in disease. Therefore, it has been classified as a Variant of Uncertain Significance. Advanced modeling of protein sequence and biophysical properties (such as structural, functional, and spatial information, amino acid conservation, physicochemical variation, residue mobility, and thermodynamic stability) performed at Invitae indicates that this missense variant is not expected to disrupt PLG protein function. This variant is also known as Trp597->Cys. This missense change has been observed in individual(s) with plasminogen deficiency (PMID: 9242524). This variant is present in population databases (rs121918031, gnomAD 0.0009%). This sequence change replaces tryptophan, which is neutral and slightly polar, with cysteine, which is neutral and slightly polar, at codon 616 of the PLG protein (p.Trp616Cys).

Literature cited by the submitters: PubMed 9242524.